The following is an entry in ClinVar:

ClinVar aggregate classification (germline): Likely benign (0 of 4 stars; one submission).

Conditions:
DOCK7-related disorder. Also called: DOCK7-related condition.

Allele frequency attached by ClinVar (database versions not stated): TOPMed 0.00002; gnomAD 0.00003; ExAC 0.00006.
gnomAD v4.1: 13 of 744,546 alleles (0.0017%); highest among the groups gnomAD compares: African/African-American, 0.0052%; no homozygotes.

Submission:

PreventionGenetics, part of Exact Sciences
Classification: Likely benign for DOCK7-related condition. Last evaluated: 2019-06-03. Review status: no assertion criteria provided. Collection method: clinical testing. Allele origin: germline.
Comment: This variant is classified as likely benign based on ACMG/AMP sequence variant interpretation guidelines (Richards et al. 2015 PMID: 25741868, with internal and published modifications).

NM_001367561.1(DOCK7):c.1801-1544A>T

Gene: DOCK7 (dedicator of cytokinesis 7; minus strand). Cytogenetic location: 1p31.3.
Variant type: single nucleotide variant.
Coding change: c.1801-1544A>T on transcript NM_001367561.1 (MANE Select); 1544 bases into the intron before coding-DNA position 1801, A replaced by T.
Molecular consequence: intron variant. On other transcripts: synonymous variant (1).
Genome position (GRCh38, 1-based): chr1:62,584,798, T>A on the plus strand (A>T on the coding strand, the complement: DOCK7 is on the minus strand). VCF-style: chr1-62584798-T-A. GRCh37 (hg19) VCF-style: chr1-63050469-T-A.
Other names: c.1881A>T, p.Ser627= (NM_001272002.2); c.1801-1544A>T (NM_001272001.2, NM_001272000.2, NM_033407.4 and 2 more transcripts).
Identifiers: ClinVar variation 3041233 (VCV003041233.2), dbSNP rs750697588, ClinGen allele CA886448.